The following is an entry in ClinVar:

ClinVar aggregate classification (germline): Benign. Review status: criteria provided, multiple submitters, no conflicts (2 of 4 stars). 5 submissions from 5 submitters: Benign (5). Last evaluated 2026-01-28.

Conditions:
Polycystic liver disease 2 (PCLD2). Also called: Polycystic liver disease 2 with or without kidney cysts. Identifiers: Orphanet 2924, MedGen C4310769, MONDO:0014860, OMIM 617004.

Allele frequency attached by ClinVar (database versions not stated): 1000 Genomes Project 0.02316; 1000 Genomes Project 30x 0.02342; TOPMed 0.02907; ESP Exome Variant Server 0.03283; gnomAD 0.03299 and 0.03357; ExAC 0.04067; gnomAD exomes 0.04074.
gnomAD v4.1: 69,521 of 1,612,008 alleles (4.3%); highest among the groups gnomAD compares: South Asian, 5%; 1,722 homozygotes.

Submissions (5):

Labcorp Genetics (formerly Invitae), Labcorp
Classification: Benign. Last evaluated: 2026-01-28. Review status: criteria provided, single submitter. Criteria: Invitae Variant Classification Sherloc (09022015). Collection method: clinical testing. Allele origin: germline.

Blueprint Genetics
Classification: Benign. Last evaluated: 2024-11-26. Review status: criteria provided, single submitter. Criteria: ACMG Guidelines, 2015. Collection method: clinical testing. Allele origin: germline.

Mayo Clinic Laboratories, Mayo Clinic
Classification: Benign. Last evaluated: 2022-03-09. Review status: criteria provided, single submitter. Criteria: ACMG Guidelines, 2015. Collection method: clinical testing. Allele origin: germline. Observed: 12 variant alleles.

GeneDx
Classification: Benign. Last evaluated: 2019-09-13. Review status: criteria provided, single submitter. Criteria: GeneDx Variant Classification Process June 2021. Collection method: clinical testing. Allele origin: germline. Affected: yes.

Illumina Laboratory Services, Illumina
Classification: Benign for Polycystic liver disease 2. Last evaluated: 2018-01-13. Review status: criteria provided, single submitter. Criteria: ICSL Variant Classification Criteria 13 December 2019. Collection method: clinical testing. Allele origin: germline.
Comment: This variant was observed in the ICSL laboratory as part of a predisposition screen in an ostensibly healthy population. It had not been previously curated by ICSL or reported in the Human Gene Mutation Database (HGMD: prior to June 1st, 2018), and was therefore a candidate for classification through an automated scoring system. Utilizing variant allele frequency, disease prevalence and penetrance estimates, and inheritance mode, an automated score was calculated to assess if this variant is too frequent to cause the disease. Based on the score and internal cut-off values, a variant classified as benign is not then subjected to further curation. The score for this variant resulted in a classification of benign for this disease.

NM_007214.5(SEC63):c.1666G>A (p.Val556Ile)

Gene: SEC63 (SEC63 protein translocation regulator; minus strand). Cytogenetic location: 6q21.
Variant type: single nucleotide variant.
Coding change: c.1666G>A on transcript NM_007214.5 (MANE Select); coding-DNA position 1666, G replaced by A.
Protein change: p.Val556Ile; replaces valine 556 with isoleucine.
Molecular consequence: missense variant.
Genome position (GRCh38, 1-based): chr6:107,893,490, C>T on the plus strand (G>A on the coding strand, the complement: SEC63 is on the minus strand). VCF-style: chr6-107893490-C-T. GRCh37 (hg19) VCF-style: chr6-108214694-C-T.
Other names: short protein forms V556I.
Identifiers: ClinVar variation 354902 (VCV000354902.17), dbSNP rs17854547, ClinGen allele CA3947319.